The following is an entry in ClinVar:

ClinVar aggregate classification (germline): Uncertain significance (1 of 4 stars; one submission).

Submission:

CeGaT Center for Human Genetics Tuebingen
Classification: Uncertain significance. Last evaluated: 2026-07-01. Review status: criteria provided, single submitter. Criteria: CeGaT Center For Human Genetics Tuebingen Variant Classification Criteria Version 2. Collection method: clinical testing. Allele origin: germline. Affected: yes. Observed: 1 variant allele.
Comment: ARID2: PM2

NM_152641.4(ARID2):c.2612A>G (p.Gln871Arg)

Gene: ARID2 (AT-rich interaction domain 2; plus strand). Cytogenetic location: 12q12.
Variant type: single nucleotide variant.
Coding change: c.2612A>G on transcript NM_152641.4 (MANE Select); coding-DNA position 2612, A replaced by G.
Protein change: p.Gln871Arg; replaces glutamine 871 with arginine.
Molecular consequence: missense variant.
Genome position (GRCh38, 1-based): chr12:45,850,735, A>G. VCF-style: chr12-45850735-A-G. GRCh37 (hg19) VCF-style: chr12-46244518-A-G.
Other names: c.2612A>G, p.Gln871Arg (NM_001347839.2); short protein forms Q871R.
Identifiers: ClinVar variation 5040120 (VCV005040120.1).